The following is an entry in ClinVar:

NM_018063.5(HELLS):c.1032+6A>G

Gene: HELLS (helicase, lymphoid specific; plus strand). Cytogenetic location: 10q23.33.
Variant type: single nucleotide variant.
Coding change: c.1032+6A>G on transcript NM_018063.5 (MANE Select); 6 bases into the intron after coding-DNA position 1032, A replaced by G.
Molecular consequence: intron variant.
Genome position (GRCh38, 1-based): chr10:94,576,811, A>G. VCF-style: chr10-94576811-A-G. GRCh37 (hg19) VCF-style: chr10-96336568-A-G.
Other names: c.660+6A>G (NM_001289071.2); c.1032+6A>G (NM_001289067.2, NM_001289070.2); c.11+6A>G (NM_001289075.2); c.-67+102A>G (NM_001289074.2); c.936+102A>G (NM_001289069.2, NM_001289072.2); c.618+6A>G (NM_001289073.2); c.984+6A>G (NM_001289068.2).
Identifiers: ClinVar variation 1375510 (VCV001375510.6), dbSNP rs2134062486, ClinGen allele CA2573145927.
Genomic context (GRCh38, chr10:94,576,811, plus strand): 5'-TCCTGTGGTAATCACGTCATTTGAAATAGCCATGAGAGACCGAAATGCGTTACAGGTACA[A>G]ATGATCTTCATTGGTTTCTTTGTAATACATAAAACATGCTTTTCTTCATTTATATCACTT-3'

ClinVar aggregate classification (germline): Uncertain significance (1 of 4 stars; one submission).

Allele frequency attached by ClinVar (database versions not stated): gnomAD exomes below 0.00001.
gnomAD v4.1: 1 of 1,592,616 alleles (0.000063%); highest among the groups gnomAD compares: Non-Finnish European, 0.000085%; no homozygotes.

Submission:

Labcorp Genetics (formerly Invitae), Labcorp
Classification: Uncertain significance. Last evaluated: 2021-08-16. Review status: criteria provided, single submitter. Criteria: Invitae Variant Classification Sherloc (09022015). Collection method: clinical testing. Allele origin: germline.
Comment: This sequence change falls in intron 10 of the HELLS gene. It does not directly change the encoded amino acid sequence of the HELLS protein. It affects a nucleotide within the consensus splice site of the intron. This variant is not present in population databases (ExAC no frequency). This variant has not been reported in the literature in individuals affected with HELLS-related conditions. Variants that disrupt the consensus splice site are a relatively common cause of aberrant splicing (PMID: 17576681, 9536098). Algorithms developed to predict the effect of sequence changes on RNA splicing suggest that this variant is not likely to affect RNA splicing. In summary, the available evidence is currently insufficient to determine the role of this variant in disease. Therefore, it has been classified as a Variant of Uncertain Significance.

Literature cited by the submitters: PubMed 17576681; PubMed 9536098.